The following is an entry in ClinVar:

NM_001040108.2(MLH3):c.3584T>C (p.Val1195Ala)

Gene: MLH3 (mutL homolog 3; minus strand). Cytogenetic location: 14q24.3.
Variant type: single nucleotide variant.
Coding change: c.3584T>C on transcript NM_001040108.2 (MANE Select); coding-DNA position 3584, T replaced by C.
Protein change: p.Val1195Ala; replaces valine 1195 with alanine.
Molecular consequence: missense variant.
Genome position (GRCh38, 1-based): chr14:75,038,399, A>G on the plus strand (T>C on the coding strand, the complement: MLH3 is on the minus strand). VCF-style: chr14-75038399-A-G. GRCh37 (hg19) VCF-style: chr14-75505102-A-G.
Other names: c.3584T>C, p.Val1195Ala (NM_014381.3); short protein forms V1195A.
Identifiers: ClinVar variation 2043810 (VCV002043810.5), dbSNP rs768301936, ClinGen allele CA7275414.

ClinVar aggregate classification (germline): Uncertain significance. Review status: criteria provided, multiple submitters, no conflicts (2 of 4 stars). 2 submissions from 2 submitters: Uncertain significance (2). Last evaluated 2025-07-09.

Conditions:
Colorectal cancer, hereditary nonpolyposis, type 7. Identifiers: Orphanet 144, MedGen C1858380, MONDO:0013725, OMIM 614385.

Allele frequency attached by ClinVar (database versions not stated): TOPMed 0.00001.

Submissions (2):

Labcorp Genetics (formerly Invitae), Labcorp
Classification: Uncertain significance for Colorectal cancer, hereditary nonpolyposis, type 7. Last evaluated: 2025-07-09. Review status: criteria provided, single submitter. Criteria: Invitae Variant Classification Sherloc (09022015). Collection method: clinical testing. Allele origin: germline.
Comment: This sequence change replaces valine, which is neutral and non-polar, with alanine, which is neutral and non-polar, at codon 1195 of the MLH3 protein (p.Val1195Ala). This variant is present in population databases (rs768301936, gnomAD 0.0009%). This variant has not been reported in the literature in individuals affected with MLH3-related conditions. ClinVar contains an entry for this variant (Variation ID: 2043810). An algorithm developed to predict the effect of missense changes on protein structure and function (PolyPhen-2) suggests that this variant is likely to be disruptive. In summary, the available evidence is currently insufficient to determine the role of this variant in disease. Therefore, it has been classified as a Variant of Uncertain Significance.

Ambry Genetics
Classification: Uncertain significance. Last evaluated: 2025-05-05. Review status: criteria provided, single submitter. Criteria: Ambry Variant Classification Scheme 2023. Collection method: clinical testing. Allele origin: germline.